The following is an entry in ClinVar:

ClinVar aggregate classification (germline): Uncertain significance. Review status: criteria provided, multiple submitters, no conflicts (2 of 4 stars). 2 submissions from 2 submitters: Uncertain significance (2). Last evaluated 2025-12-17.

Conditions:
Inborn genetic diseases. Identifiers: MedGen C0950123, MeSH D030342.

gnomAD v4.1: 8 of 1,613,272 alleles (0.0005%); highest among the groups gnomAD compares: Non-Finnish European, 0.00068%; no homozygotes.

Submissions (2):

Labcorp Genetics (formerly Invitae), Labcorp
Classification: Uncertain significance. Last evaluated: 2025-12-17. Review status: criteria provided, single submitter. Criteria: Invitae Variant Classification Sherloc (09022015). Collection method: clinical testing. Allele origin: germline.
Comment: This sequence change replaces tryptophan, which is neutral and slightly polar, with cysteine, which is neutral and slightly polar, at codon 569 of the MBD4 protein (p.Trp569Cys). This variant is present in population databases (no rsID available, gnomAD 0.0009%). This variant has not been reported in the literature in individuals affected with MBD4-related conditions. An algorithm developed to predict the effect of missense changes on protein structure and function (PolyPhen-2) suggests that this variant is likely to be disruptive. In summary, the available evidence is currently insufficient to determine the role of this variant in disease. Therefore, it has been classified as a Variant of Uncertain Significance.

Ambry Genetics
Classification: Uncertain significance for Inborn genetic diseases. Last evaluated: 2025-11-29. Review status: criteria provided, single submitter. Criteria: Ambry Variant Classification Scheme 2023. Collection method: clinical testing. Allele origin: germline.
Comment: The p.W563C variant (also known as c.1689G>C), located in coding exon 8 of the MBD4 gene, results from a G to C substitution at nucleotide position 1689. The tryptophan at codon 563 is replaced by cysteine, an amino acid with highly dissimilar properties. This amino acid position is conserved. In addition, this alteration is predicted to be deleterious by in silico analysis. Based on the available evidence, the clinical significance of this variant remains unclear.

NM_001276270.2(MBD4):c.1689G>C (p.Trp563Cys)

Gene: MBD4 (methyl-CpG binding domain 4, DNA glycosylase; minus strand). Cytogenetic location: 3q21.3.
Variant type: single nucleotide variant.
Coding change: c.1689G>C on transcript NM_001276270.2 (MANE Select); coding-DNA position 1689, G replaced by C.
Protein change: p.Trp563Cys; replaces tryptophan 563 with cysteine.
Molecular consequence: missense variant. On other transcripts: 3 prime UTR variant (1).
Genome position (GRCh38, 1-based): chr3:129,431,537, C>G on the plus strand (G>C on the coding strand, the complement: MBD4 is on the minus strand). VCF-style: chr3-129431537-C-G. GRCh37 (hg19) VCF-style: chr3-129150380-C-G.
Other names: c.*31G>C (NM_001276272.2); c.753G>C, p.Trp251Cys (NM_001276273.2); c.1707G>C, p.Trp569Cys (NM_003925.3); short protein forms W563C, W251C, W569C.
Identifiers: ClinVar variation 4624432 (VCV004624432.2).